The following is an entry in ClinVar:

ClinVar aggregate classification (germline): Uncertain significance (1 of 4 stars; one submission).

Conditions:
Combined oxidative phosphorylation defect type 27. Also called: Combined oxidative phosphorylation deficiency 27. Identifiers: Orphanet 477774, MedGen C5567608, MONDO:0014728, OMIM 616672.

Submission:

Labcorp Genetics (formerly Invitae), Labcorp
Classification: Uncertain significance for Combined oxidative phosphorylation defect type 27. Last evaluated: 2020-08-31. Review status: criteria provided, single submitter. Criteria: Invitae Variant Classification Sherloc (09022015). Collection method: clinical testing. Allele origin: germline.
Comment: In summary, the available evidence is currently insufficient to determine the role of this variant in disease. Therefore, it has been classified as a Variant of Uncertain Significance. Algorithms developed to predict the effect of missense changes on protein structure and function (SIFT, PolyPhen-2, Align-GVGD) all suggest that this variant is likely to be tolerated, but these predictions have not been confirmed by published functional studies and their clinical significance is uncertain. This variant has not been reported in the literature in individuals with CARS2-related conditions. This variant is present in population databases (rs138372705, ExAC 0.004%). This sequence change replaces valine with leucine at codon 390 of the CARS2 protein (p.Val390Leu). The valine residue is moderately conserved and there is a small physicochemical difference between valine and leucine.

NM_024537.4(CARS2):c.1168G>C (p.Val390Leu)

Gene: CARS2 (cysteinyl-tRNA synthetase 2, mitochondrial; minus strand). Cytogenetic location: 13q34.
Variant type: single nucleotide variant.
Coding change: c.1168G>C on transcript NM_024537.4 (MANE Select); coding-DNA position 1168, G replaced by C.
Protein change: p.Val390Leu; replaces valine 390 with leucine.
Molecular consequence: missense variant. On other transcripts: non-coding transcript variant (2).
Genome position (GRCh38, 1-based): chr13:110,647,126, C>G on the plus strand (G>C on the coding strand, the complement: CARS2 is on the minus strand). VCF-style: chr13-110647126-C-G. GRCh37 (hg19) VCF-style: chr13-111299473-C-G.
Other names: c.382G>C, p.Val128Leu (NM_001352252.2); short protein forms V128L, V390L.
Identifiers: ClinVar variation 1004370 (VCV001004370.8), dbSNP rs138372705, ClinGen allele CA7051888.
Genomic context (GRCh38, chr13:110,647,126, plus strand): 5'-GGGGTGCCACGCCGGGTGCTAGGCGGGCCTCTTACCTCTCCCACAGCATCGCTTCCCTGA[C>G]GGAGCCGCAGGCCAGCTGCCCCTTCATGTAGGCACGTGCGTCCTCCAGGAAAGAGCCCAG-3'
Protein context (NP_078813.1, residues 380-400): YMKGQLACGS[Val390Leu]REAMLWERLS